The following is an entry in ClinVar:

NM_014846.4(WASHC5):c.867A>C (p.Val289=)

Gene: WASHC5 (WASH complex subunit 5; minus strand). Cytogenetic location: 8q24.13.
Variant type: single nucleotide variant.
Coding change: c.867A>C on transcript NM_014846.4 (MANE Select); coding-DNA position 867, A replaced by C.
Protein change: p.Val289=; no amino-acid change (valine 289 retained).
Molecular consequence: synonymous variant.
Genome position (GRCh38, 1-based): chr8:125,075,109, T>G on the plus strand (A>C on the coding strand, the complement: WASHC5 is on the minus strand). VCF-style: chr8-125075109-T-G. GRCh37 (hg19) VCF-style: chr8-126087351-T-G.
Other names: c.423A>C, p.Val141= (NM_001330609.2).
Identifiers: ClinVar variation 219414 (VCV000219414.16), dbSNP rs79464415, ClinGen allele CA349940.
Genomic context (GRCh38, chr8:125,075,109, plus strand): 5'-AGCTTTGTAAGGTTCCCAAGCATCTACTAGATTAACTGTGATCCCCATGTAAATACTAAT[T>G]ACCTGAAAGAGGAGACATTCAGAATTTGTTAAATTCCTACTCACTTCAAGGCAAAGGGTT-3'
Protein context (NP_055661.3, residues 279-299): IVDKYFPDNW[Val289=]ISIYMGITVN

ClinVar aggregate classification (germline): Benign/Likely benign. Review status: criteria provided, multiple submitters, no conflicts (2 of 4 stars). 5 submissions from 5 submitters: Benign (4); Likely benign (1). Last evaluated 2026-02-01.

Conditions:
Hereditary spastic paraplegia 8 (SPG8). Also called: SPASTIC PARAPLEGIA 8, AUTOSOMAL DOMINANT. Identifiers: Orphanet 100989, MedGen C1863704, MONDO:0011339, OMIM 603563.
Ritscher-Schinzel syndrome. Also called: CRANIOCEREBELLOCARDIAC DYSPLASIA. Identifiers: Orphanet 7, MedGen C0796137, MONDO:0019078.
Ritscher-Schinzel syndrome 1 (RTSC1). Identifiers: Orphanet 7, MedGen C4551776, MONDO:0009073, OMIM 220210.

Allele frequency attached by ClinVar (database versions not stated): gnomAD 0.00459 and 0.00491; 1000 Genomes Project 0.00719; TOPMed 0.00527; 1000 Genomes Project 30x 0.00765; gnomAD exomes 0.00048 and 0.00122; ExAC 0.00150; ESP Exome Variant Server 0.00561.
gnomAD v4.1: 1,398 of 1,556,028 alleles (0.09%); highest among the groups gnomAD compares: African/African-American, 1.7%; 11 homozygotes.

Submissions (5):

Labcorp Genetics (formerly Invitae), Labcorp
Classification: Benign for Ritscher-Schinzel syndrome; Hereditary spastic paraplegia 8. Last evaluated: 2026-02-01. Review status: criteria provided, single submitter. Criteria: Invitae Variant Classification Sherloc (09022015). Collection method: clinical testing. Allele origin: germline.

Fulgent Genetics
Classification: Likely benign for Ritscher-Schinzel syndrome 1; Hereditary spastic paraplegia 8. Last evaluated: 2021-09-13. Review status: criteria provided, single submitter. Criteria: ACMG Guidelines, 2015. Collection method: clinical testing. Allele origin: unknown.

Illumina Laboratory Services, Illumina
Classification: Benign for Hereditary spastic paraplegia 8. Last evaluated: 2018-01-12. Review status: criteria provided, single submitter. Criteria: ICSL Variant Classification Criteria 13 December 2019. Collection method: clinical testing. Allele origin: germline.
Comment: This variant was observed in the ICSL laboratory as part of a predisposition screen in an ostensibly healthy population. It had not been previously curated by ICSL or reported in the Human Gene Mutation Database (HGMD: prior to June 1st, 2018), and was therefore a candidate for classification through an automated scoring system. Utilizing variant allele frequency, disease prevalence and penetrance estimates, and inheritance mode, an automated score was calculated to assess if this variant is too frequent to cause the disease. Based on the score and internal cut-off values, a variant classified as benign is not then subjected to further curation. The score for this variant resulted in a classification of benign for this disease.

Athena Diagnostics
Classification: Benign. Last evaluated: 2017-06-19. Review status: criteria provided, single submitter. Criteria: Athena Diagnostics Criteria. Collection method: clinical testing. Allele origin: germline.

Breakthrough Genomics
Classification: Benign. Review status: criteria provided, single submitter. Criteria: ACMG Guidelines, 2015. Collection method: not provided. Allele origin: germline. Inheritance: Autosomal recessive inheritance. Affected: yes.